The following is an entry in ClinVar:

ClinVar aggregate classification (germline): Uncertain significance (1 of 4 stars; one submission).

Submission:

Labcorp Genetics (formerly Invitae), Labcorp
Classification: Uncertain significance. Last evaluated: 2022-07-01. Review status: criteria provided, single submitter. Criteria: Invitae Variant Classification Sherloc (09022015). Collection method: clinical testing. Allele origin: germline.
Comment: In summary, the available evidence is currently insufficient to determine the role of this variant in disease. Therefore, it has been classified as a Variant of Uncertain Significance. Algorithms developed to predict the effect of missense changes on protein structure and function (SIFT, PolyPhen-2, Align-GVGD) all suggest that this variant is likely to be tolerated. This variant has not been reported in the literature in individuals affected with RFWD3-related conditions. This variant is not present in population databases (gnomAD no frequency). This sequence change replaces methionine, which is neutral and non-polar, with isoleucine, which is neutral and non-polar, at codon 622 of the RFWD3 protein (p.Met622Ile).

NM_018124.4(RFWD3):c.1866G>T (p.Met622Ile)

Gene: RFWD3 (ring finger and WD repeat domain 3; minus strand). Cytogenetic location: 16q23.1.
Variant type: single nucleotide variant.
Coding change: c.1866G>T on transcript NM_018124.4 (MANE Select); coding-DNA position 1866, G replaced by T.
Protein change: p.Met622Ile; replaces methionine 622 with isoleucine.
Molecular consequence: missense variant.
Genome position (GRCh38, 1-based): chr16:74,628,555, C>A on the plus strand (G>T on the coding strand, the complement: RFWD3 is on the minus strand). VCF-style: chr16-74628555-C-A. GRCh37 (hg19) VCF-style: chr16-74662453-C-A.
Other names: c.1866G>T, p.Met622Ile (NM_001370534.1, NM_001370535.1); c.1689G>T, p.Met563Ile (NM_001370536.1); c.1032G>T, p.Met344Ile (NM_001370537.1, NM_001370539.1, NM_001370540.1 and 3 more transcripts); short protein forms M344I, M563I, M622I.
Identifiers: ClinVar variation 2012680 (VCV002012680.4), dbSNP rs2543934768, ClinGen allele CA396759860.